The following is an entry in ClinVar:

NR_186857.1(ORAI1):n.230_240del

Genes: ORAI1 (ORAI calcium release-activated calcium modulator 1; plus strand), LOC130008987 (ATAC-STARR-seq lymphoblastoid silent region 4981; plus strand). Cytogenetic location: 12q24.31.
Variant type: Deletion.
Molecular consequence: non-coding transcript variant (on NR_186857.1).
Genome position: GRCh38 VCF-style: chr12-121626754-GCCCGCCCCGCC-G. GRCh37 (hg19) VCF-style: chr12-122064659-GCCCGCCCCGCC-G.
Identifiers: ClinVar variation 3763905 (VCV003763905.2).

ClinVar aggregate classification (germline): Uncertain significance (1 of 4 stars; one submission).

Conditions:
Myopathy, tubular aggregate, 2 (TAM2). Identifiers: MedGen C4014557, MONDO:0014383, OMIM 615883.
Combined immunodeficiency due to ORAI1 deficiency. Also called: IMMUNODEFICIENCY 9. Identifiers: Orphanet 169090, Orphanet 317428, MedGen C2748568, MONDO:0013007, OMIM 612782.

Submission:

Labcorp Genetics (formerly Invitae), Labcorp
Classification: Uncertain significance for Myopathy, tubular aggregate, 2; Combined immunodeficiency due to ORAI1 deficiency. Last evaluated: 2024-07-06. Review status: criteria provided, single submitter. Criteria: Invitae Variant Classification Sherloc (09022015). Collection method: clinical testing. Allele origin: germline.
Comment: This sequence change creates a premature translational stop signal (p.Ala6Glufs*78) in the ORAI1 gene. However, it is currently unclear if variants that occur in this region of the gene cause disease. The frequency data for this variant in the population databases is considered unreliable, as metrics indicate insufficient coverage at this position in the gnomAD database. This variant has not been reported in the literature in individuals affected with ORAI1-related conditions. In summary, the available evidence is currently insufficient to determine the role of this variant in disease. Therefore, it has been classified as a Variant of Uncertain Significance.